The following is an entry in ClinVar:

NM_001151.4(SLC25A4):c.*497T>G

Gene: SLC25A4 (solute carrier family 25 member 4; plus strand). Cytogenetic location: 4q35.1.
Variant type: single nucleotide variant.
Coding change: c.*497T>G on transcript NM_001151.4 (MANE Select); 497 bases downstream of the stop codon, T replaced by G.
Molecular consequence: 3 prime UTR variant.
Genome position (GRCh38, 1-based): chr4:185,147,468, T>G. VCF-style: chr4-185147468-T-G. GRCh37 (hg19) VCF-style: chr4-186068622-T-G.
Identifiers: ClinVar variation 348255 (VCV000348255.5), dbSNP rs562129249, ClinGen allele CA10620618.
Genomic context (GRCh38, chr4:185,147,468, plus strand): 5'-TATATGAGAACGTACAATGCTTAAAGTTCCGGTTTTCAAACTTAGGCAGGTCATATTCTA[T>G]CTATCTTATCCAGCATTACTGTAGGCTAGAAAGTGATAATGGCTTTCATAATCCTGCCTT-3'

ClinVar aggregate classification (germline): Benign (1 of 4 stars; one submission).

Conditions:
Progressive external ophthalmoplegia with mitochondrial DNA deletions, autosomal dominant 2. Also called: PROGRESSIVE EXTERNAL OPHTHALMOPLEGIA, AUTOSOMAL DOMINANT 2. Identifiers: MedGen C1836460, MONDO:0012238, OMIM 609283.

Allele frequency attached by ClinVar (database versions not stated): gnomAD 0.00001 and 0.00046; TOPMed 0.00006; gnomAD exomes 0.00017; 1000 Genomes Project 30x 0.00328; 1000 Genomes Project 0.00379.
gnomAD v4.1: 71 of 164,452 alleles (0.043%); highest among the groups gnomAD compares: South Asian, 1.2%; 2 homozygotes.

Submission:

Illumina Laboratory Services, Illumina
Classification: Benign for Progressive external ophthalmoplegia with mitochondrial DNA deletions, autosomal dominant 2. Last evaluated: 2018-01-13. Review status: criteria provided, single submitter. Criteria: ICSL Variant Classification Criteria 13 December 2019. Collection method: clinical testing. Allele origin: germline.
Comment: This variant was observed in the ICSL laboratory as part of a predisposition screen in an ostensibly healthy population. It had not been previously curated by ICSL or reported in the Human Gene Mutation Database (HGMD: prior to June 1st, 2018), and was therefore a candidate for classification through an automated scoring system. Utilizing variant allele frequency, disease prevalence and penetrance estimates, and inheritance mode, an automated score was calculated to assess if this variant is too frequent to cause the disease. Based on the score and internal cut-off values, a variant classified as benign is not then subjected to further curation. The score for this variant resulted in a classification of benign for this disease.